The following is an entry in ClinVar:

ClinVar aggregate classification (germline): Benign/Likely benign. Review status: criteria provided, multiple submitters, no conflicts (2 of 4 stars). 3 submissions from 3 submitters: Benign (1); Likely benign (1). 1 of the submissions does not count toward it. Last evaluated 2024-11-21.

Conditions:
SCAPER-related disorder. Also called: SCAPER-related condition.

Allele frequency attached by ClinVar (database versions not stated): gnomAD 0.00049 and 0.00078; gnomAD exomes 0.00057 and 0.00177; TOPMed 0.00096; ExAC 0.00197; 1000 Genomes Project 0.00419; 1000 Genomes Project 30x 0.00422.
gnomAD v4.1: 966 of 1,613,086 alleles (0.06%); highest among the groups gnomAD compares: East Asian, 2%; 9 homozygotes.

Submissions (3):

Blueprint Genetics
Classification: Likely benign. Last evaluated: 2024-11-21. Review status: criteria provided, single submitter. Criteria: ACMG Guidelines, 2015. Collection method: clinical testing. Allele origin: germline.

Labcorp Genetics (formerly Invitae), Labcorp
Classification: Benign. Last evaluated: 2019-12-31. Review status: criteria provided, single submitter. Criteria: Invitae Variant Classification Sherloc (09022015). Collection method: clinical testing. Allele origin: germline.

PreventionGenetics, part of Exact Sciences
Classification: Benign for SCAPER-related condition. Last evaluated: 2019-06-13. Review status: no assertion criteria provided. Collection method: clinical testing. Allele origin: germline. Not counted in ClinVar's aggregate classification.
Comment: This variant is classified as benign based on ACMG/AMP sequence variant interpretation guidelines (Richards et al. 2015 PMID: 25741868, with internal and published modifications).

NM_020843.4(SCAPER):c.2043G>A (p.Glu681=)

Gene: SCAPER (S-phase cyclin A associated protein in the ER; minus strand). Cytogenetic location: 15q24.3.
Variant type: single nucleotide variant.
Coding change: c.2043G>A on transcript NM_020843.4 (MANE Select); coding-DNA position 2043, G replaced by A.
Protein change: p.Glu681=; no amino-acid change (glutamic acid 681 retained).
Molecular consequence: synonymous variant. On other transcripts: non-coding transcript variant (1).
Genome position (GRCh38, 1-based): chr15:76,728,717, C>T on the plus strand (G>A on the coding strand, the complement: SCAPER is on the minus strand). VCF-style: chr15-76728717-C-T. GRCh37 (hg19) VCF-style: chr15-77021058-C-T.
Other names: c.1305G>A, p.Glu435= (NM_001145923.2); c.2061G>A, p.Glu687= (NM_001353009.2); c.1641G>A, p.Glu547= (NM_001353010.2, NM_001353012.2); c.1659G>A, p.Glu553= (NM_001353011.2); c.2061G>A (NM_001353009.1).
Identifiers: ClinVar variation 728581 (VCV000728581.7), dbSNP rs117498627, ClinGen allele CA7674799.